The following is an entry in ClinVar:

ClinVar aggregate classification (germline): Uncertain significance (1 of 4 stars; one submission).

Conditions:
Familial thoracic aortic aneurysm and aortic dissection (TAAD). Also called: Thoracic aortic aneurysms and dissections. Identifiers: Orphanet 91387, MedGen C4707243, MONDO:0019625.

Submission:

Labcorp Genetics (formerly Invitae), Labcorp
Classification: Uncertain significance for Familial thoracic aortic aneurysm and aortic dissection. Last evaluated: 2022-03-14. Review status: criteria provided, single submitter. Criteria: Invitae Variant Classification Sherloc (09022015). Collection method: clinical testing. Allele origin: germline.
Comment: In summary, the available evidence is currently insufficient to determine the role of this variant in disease. Therefore, it has been classified as a Variant of Uncertain Significance. This variant is also known as c.1669C>T, p.Gln557*. This premature translational stop signal has been observed in individual(s) with TGFBR2-related conditions (PMID: 29907982). This sequence change creates a premature translational stop signal (p.Gln532*) in the TGFBR2 gene. While this is not anticipated to result in nonsense mediated decay, it is expected to disrupt the last 36 amino acid(s) of the TGFBR2 protein. This variant is not present in population databases (gnomAD no frequency).

Literature cited by the submitters: PubMed 29907982.

NM_003242.6(TGFBR2):c.1594C>T (p.Gln532Ter)

Gene: TGFBR2 (transforming growth factor beta receptor 2; plus strand). Cytogenetic location: 3p24.1.
Variant type: single nucleotide variant.
Coding change: c.1594C>T on transcript NM_003242.6 (MANE Select); coding-DNA position 1594, C replaced by T.
Protein change: p.Gln532Ter; replaces glutamine 532 with a stop codon.
Molecular consequence: nonsense.
Genome position (GRCh38, 1-based): chr3:30,691,489, C>T. VCF-style: chr3-30691489-C-T. GRCh37 (hg19) VCF-style: chr3-30732981-C-T.
Other names: c.1669C>T, p.Gln557Ter (NM_001024847.3); c.1777C>T, p.Gln593Ter (NM_001407126.1); c.1702C>T, p.Gln568Ter (NM_001407127.1); c.1621C>T, p.Gln541Ter (NM_001407128.1); c.1597C>T, p.Gln533Ter (NM_001407129.1); c.1591C>T, p.Gln531Ter (NM_001407130.1); c.1489C>T, p.Gln497Ter (NM_001407132.1, NM_001407133.1, NM_001407134.1 and 2 more transcripts); c.1309C>T, p.Gln437Ter (NM_001407137.1); and 2 more; short protein forms Q412*, Q532*, Q541*, Q557*, Q242*, Q593*, Q437*, Q497*.
Identifiers: ClinVar variation 2151970 (VCV002151970.4), dbSNP rs2125455374, ClinGen allele CA351809625.